The following continues an entry in ClinVar:

NM_000518.5(HBB):c.52A>T (p.Lys18Ter)

ClinVar aggregate classification (germline): Pathogenic. Pathogenic (1).

Submissions 8 to 24 of 24:

PreventionGenetics, part of Exact Sciences
Classification: Pathogenic for HBB-related condition. Last evaluated: 2025-04-11. Review status: criteria provided, single submitter. Criteria: ACMG Guidelines, 2015. Collection method: clinical testing. Allele origin: germline. Not counted in ClinVar's aggregate classification.
Comment: The HBB c.52A>T variant is predicted to result in premature protein termination (p.Lys18*). This variant, previously referred to as p.Lys17Ter, has been reported in the compound heterozygous state as causative for autosomal recessive HBB-associated disorders including beta thalassemia (Chang et al. 1979. PubMed ID: 88735; Neu-Yilik et al. 2011. PubMed ID: 21389146; 1990. PubMed ID: 2143120; Lazarin et al. 2012. PubMed ID: 22975760; Panyasai et al. 2015. PubMed ID: 26029792; Zhao et al. 2018. PubMed ID: 30275481). This variant is reported in 0.080% of alleles in individuals of East Asian descent in gnomAD. Nonsense variants in HBB are expected to be pathogenic. This variant is interpreted as pathogenic.

Fulgent Genetics
Classification: Pathogenic for Heinz body anemia; Hereditary persistence of fetal hemoglobin; Dominant beta-thalassemia; Hb SS disease; Malaria, susceptibility to; Beta-thalassemia HBB/LCRB; METHEMOGLOBINEMIA, BETA TYPE; Erythrocytosis, familial, 6. Last evaluated: 2024-04-09. Review status: criteria provided, single submitter. Criteria: ACMG Guidelines, 2015. Collection method: clinical testing. Allele origin: germline. Not counted in ClinVar's aggregate classification.

Revvity Omics, Revvity
Classification: Pathogenic. Last evaluated: 2022-12-01. Review status: criteria provided, single submitter. Criteria: ACMG Guidelines, 2015. Collection method: clinical testing. Allele origin: germline. Not counted in ClinVar's aggregate classification.

Department of Pathology and Laboratory Medicine, Sinai Health System
Classification: Pathogenic for Heinz body anemia; Hereditary persistence of fetal hemoglobin; Dominant beta-thalassemia; Hb SS disease; alpha Thalassemia; Beta-thalassemia HBB/LCRB; METHEMOGLOBINEMIA, BETA TYPE; Erythrocytosis, familial, 6. Last evaluated: 2022-11-14. Review status: criteria provided, single submitter. Criteria: ACMG Guidelines, 2015. Collection method: research. Allele origin: germline. Not counted in ClinVar's aggregate classification.

GeneDx
Classification: Pathogenic. Last evaluated: 2022-09-28. Review status: criteria provided, single submitter. Criteria: GeneDx Variant Classification Process June 2021. Collection method: clinical testing. Allele origin: germline. Affected: yes. Not counted in ClinVar's aggregate classification.
Comment: Nonsense variant predicted to result in protein truncation or nonsense mediated decay in a gene for which loss of function is a known mechanism of disease; This variant is associated with the following publications: (PMID: 21389146, 88735, 26029792, 30275481, 34426522, 8161731, 2143120, 26715484, 22975760, 29669226, 29695942)

MGZ Medical Genetics Center
Classification: Pathogenic for Beta-thalassemia HBB/LCRB. Last evaluated: 2022-03-15. Review status: criteria provided, single submitter. Criteria: ACMG Guidelines, 2015. Collection method: clinical testing. Allele origin: germline. Affected: yes. Observed: 1 variant allele. Not counted in ClinVar's aggregate classification.
Comment: ACMG criteria applied: PVS1, PS4_MOD, PM2_SUP

Quest Diagnostics Nichols Institute San Juan Capistrano
Classification: Pathogenic. Last evaluated: 2021-08-30. Review status: criteria provided, single submitter. Criteria: Quest Diagnostics criteria. Collection method: clinical testing. Allele origin: unknown. Not counted in ClinVar's aggregate classification.
Comment: The nonsense variant causes the premature termination of HBB protein synthesis. In addition, it has been reported to be associated with beta(0)-thalassemia in the published literature (PMID: 29695942 (2018), 9101288 (1997), 2606476 (1989) and 88735 (1979)). Based on the available information, this variant is classified as pathogenic.

Baylor Genetics
Classification: Pathogenic for Beta-thalassemia HBB/LCRB. Last evaluated: 2020-07-24. Review status: criteria provided, single submitter. Criteria: ACMG Guidelines, 2015. Collection method: clinical testing. Allele origin: unknown. Affected: yes. Not counted in ClinVar's aggregate classification.
Comment: This variant was determined to be pathogenic according to ACMG Guidelines, 2015 [PMID:25741868].

Myriad Genetics, Inc.
Classification: Pathogenic for Beta-thalassemia HBB/LCRB. Last evaluated: 2019-12-19. Review status: criteria provided, single submitter. Criteria: Myriad Women's Health Autosomal Recessive and X-Linked Classification Criteria (2019). Collection method: clinical testing. Allele origin: unknown. Not counted in ClinVar's aggregate classification.
Comment: NM_000518.4(HBB):c.52A>T(K18*) is classified as pathogenic in the context of Hb beta chain-related hemoglobinopathy; it is associated with beta thalassemia and is classified as a beta-zero variant. Sources cited for classification include the following: PMID 22335963. Classification of NM_000518.4(HBB):c.52A>T(K18*) is based on the following criteria: The variant causes a premature termination codon that is expected to be targeted by nonsense-mediated mRNA decay and is reported in individuals with the relevant phenotype. Please note: this variant was assessed in the context of healthy population screening.

Fulgent Genetics
Classification: Pathogenic for Heinz body anemia; Hereditary persistence of fetal hemoglobin; Dominant beta-thalassemia; Hb SS disease; alpha Thalassemia; Malaria, susceptibility to; Beta-thalassemia HBB/LCRB; METHEMOGLOBINEMIA, BETA TYPE; Erythrocytosis, familial, 6. Last evaluated: 2018-10-31. Review status: criteria provided, single submitter. Criteria: ACMG Guidelines, 2015. Collection method: clinical testing. Allele origin: unknown. Not counted in ClinVar's aggregate classification.

Clinical Genetics and Genomics, Karolinska University Hospital
Classification: Pathogenic. Last evaluated: 2018-07-13. Review status: criteria provided, single submitter. Criteria: ACMG Guidelines, 2015. Collection method: clinical testing. Allele origin: germline. Affected: yes. Observed: 2 variant alleles. Not counted in ClinVar's aggregate classification.

Women's Health and Genetics/Laboratory Corporation of America, LabCorp
Classification: Pathogenic for beta Thalassemia. Last evaluated: 2016-07-28. Review status: criteria provided, single submitter. Criteria: LabCorp Variant Classification Summary - May 2015. Collection method: clinical testing. Allele origin: germline. Not counted in ClinVar's aggregate classification.
Comment: Variant summary: The HBB c.52A>T (p.Lys18X) variant results in a premature termination codon, predicted to cause a truncated or absent HBB protein due to nonsense mediated decay, which are commonly known mechanisms for disease. Truncations downstream of this position have been classified as pathogenic by our laboratory (e.g.c.85dupC/p.Leu29fsX16). One in silico tool predicts a damaging outcome for this variant. This variant was found in 2/121842 control chromosomes at a frequency of 0.0000164, which does not exceed the estimated maximal expected allele frequency of a pathogenic HBB variant (0.0111803). This variant has been reported in many BTHAL patients (mostly East Asian) both homozygously and in compound heterozygosity with other pathogenic variant. In addition, multiple reputable databases classified this variant as pathogenic. Taken together, this variant is classified as pathogenic.

Baylor Genetics
Classification: Pathogenic for Hb SS disease. Review status: criteria provided, single submitter. Criteria: ACMG Guidelines, 2015. Collection method: clinical testing. Allele origin: germline. Not counted in ClinVar's aggregate classification.

Juno Genomics, Hangzhou Juno Genomics, Inc
Classification: Pathogenic for Beta-thalassemia HBB/LCRB. Review status: criteria provided, single submitter. Criteria: ACMG Guidelines, 2015. Collection method: clinical testing. Allele origin: germline. Not counted in ClinVar's aggregate classification.
Comment: Null variant in a gene where loss of function (LOF) is a known mechanism of disease.;For recessive disorders, detected in trans with a pathogenic variant.;Patient's phenotype or family history is highly specific for a disease with a single genetic etiology.

The ITHANET community portal, The Cyprus Institute of Neurology and Genetics
Classification: Pathogenic for beta Thalassemia. Last evaluated: 2019-11-25. Review status: no assertion criteria provided. Collection method: curation. Allele origin: germline. Not counted in ClinVar's aggregate classification.

OMIM
Classification: Pathogenic for BETA-ZERO-THALASSEMIA. Last evaluated: 2000-01-01. Review status: no assertion criteria provided. Collection method: literature only. Allele origin: germline. Not counted in ClinVar's aggregate classification.

GeneReviews
No classification provided. Condition: beta Thalassemia. Review status: no classification provided. Collection method: literature only. Allele origin: germline. Not counted in ClinVar's aggregate classification.

Literature cited by the submitters: PubMed 34474730 (cited by Department of Otolaryngology Head and Neck Surgery, Hainan Hospital of the Chinese People’s Liberation Army General Hospital); PubMed 25657036 (cited by Department of Otolaryngology Head and Neck Surgery, Hainan Hospital of the Chinese People’s Liberation Army General Hospital); PubMed 15278762 (cited by Department of Otolaryngology Head and Neck Surgery, Hainan Hospital of the Chinese People’s Liberation Army General Hospital); PubMed 33735615 (cited by Natera, Inc.); PubMed 23637309 (cited by Labcorp Genetics (formerly Invitae), Labcorp); PubMed 88735 (cited by 5 submitters); PubMed 24857915 (cited by 3 submitters); PubMed 26029792 (cited by Labcorp Genetics (formerly Invitae), Labcorp); PubMed 20412082 (cited by Labcorp Genetics (formerly Invitae), Labcorp); PubMed 25089872 (cited by Labcorp Genetics (formerly Invitae), Labcorp and Women's Health and Genetics/Laboratory Corporation of America, LabCorp); PubMed 25849334 (cited by Labcorp Genetics (formerly Invitae), Labcorp); PubMed 29695942 (cited by Labcorp Genetics (formerly Invitae), Labcorp and Quest Diagnostics Nichols Institute San Juan Capistrano); PubMed 9101288 (cited by Quest Diagnostics Nichols Institute San Juan Capistrano and The ITHANET community portal, The Cyprus Institute of Neurology and Genetics); PubMed 8373896 (cited by Quest Diagnostics Nichols Institute San Juan Capistrano and OMIM); PubMed 21389146 (cited by Quest Diagnostics Nichols Institute San Juan Capistrano); PubMed 2606476 (cited by Quest Diagnostics Nichols Institute San Juan Capistrano); PubMed 22335963 (cited by Myriad Genetics, Inc.); PubMed 10335989 (cited by OMIM); PubMed 6304979 (cited by OMIM); PubMed 10612821 (cited by OMIM); NCBI Bookshelf NBK1426 (cited by GeneReviews).